The following is an entry in ClinVar:

NM_000135.4(FANCA):c.2607G>C (p.Gln869His)

Genes: FANCA (FA complementation group A; minus strand), LOC130059837 (ATAC-STARR-seq lymphoblastoid active region 11420; plus strand). Cytogenetic location: 16q24.3.
Variant type: single nucleotide variant.
Coding change: c.2607G>C on transcript NM_000135.4 (MANE Select); coding-DNA position 2607, G replaced by C.
Protein change: p.Gln869His; replaces glutamine 869 with histidine.
Molecular consequence: missense variant.
Genome position (GRCh38, 1-based): chr16:89,765,061, C>G on the plus strand (G>C on the coding strand, the complement: FANCA is on the minus strand). VCF-style: chr16-89765061-C-G. GRCh37 (hg19) VCF-style: chr16-89831469-C-G.
Other names: c.2607G>C, p.Gln869His (NM_001286167.3); c.2607G>C (LRG_495t1); short protein forms Q869H.
Identifiers: ClinVar variation 456100 (VCV000456100.10), dbSNP rs1555545583, ClinGen allele CA397438935.

ClinVar aggregate classification (germline): Uncertain significance. Review status: criteria provided, multiple submitters, no conflicts (2 of 4 stars). 2 submissions from 2 submitters: Uncertain significance (2). Last evaluated 2026-01-30.

Conditions:
Fanconi anemia (FA). Also called: Fanconi's anemia. Identifiers: Orphanet 84, MedGen C0015625, MeSH D005199, MONDO:0019391.

Submissions (2):

Women's Health and Genetics/Laboratory Corporation of America, LabCorp
Classification: Uncertain significance. Last evaluated: 2026-01-30. Review status: criteria provided, single submitter. Criteria: LabCorp Variant Classification Summary - May 2015. Collection method: clinical testing. Allele origin: germline.
Comment: Variant summary: FANCA c.2607G>C (p.Gln869His) results in a non-conservative amino acid change in the encoded protein sequence. Algorithms developed to predict the effect of missense changes on protein structure and function all suggest that this variant is likely to be disruptive. The variant was absent in 251330 control chromosomes. The available data on variant occurrences in the general population are insufficient to allow any conclusion about variant significance. To our knowledge, no occurrence of c.2607G>C in individuals affected with FANCA-related conditions and no experimental evidence demonstrating its impact on protein function have been reported. ClinVar contains an entry for this variant (Variation ID: 456100). Based on the evidence outlined above, the variant was classified as uncertain significance.

Labcorp Genetics (formerly Invitae), Labcorp
Classification: Uncertain significance for Fanconi anemia. Last evaluated: 2017-04-03. Review status: criteria provided, single submitter. Criteria: Invitae Variant Classification Sherloc (09022015). Collection method: clinical testing. Allele origin: germline.
Comment: Algorithms developed to predict the effect of missense changes on protein structure and function do not agree on the potential impact of this missense change (SIFT: "Deleterious"; PolyPhen-2: "Benign"; Align-GVGD: "Class C0"). A different missense substitution at this codon (p.Gln869Pro) has been reported in individuals affected with Fanconi anemia in the literature (PMID: 15643609) and in the Leiden Open-source Variation Database (PMID: 21520333), however, in some of these individuals, a second FANCA variant was not identified. In addition, an experimental study demonstrates that this variant may disrupt FANCA protein complex formation with FANCB and FANCL (PMID: 16720839). This suggests that the glutamine residue is may be critical for FANCA protein function. In summary, this variant is a novel missense change with uncertain impact on protein function. It has been classified as a Variant of Uncertain Significance. This variant is not present in population databases (ExAC no frequency) and has not been reported in the literature in individuals with a FANCA-related disease. This sequence change replaces glutamine with histidine at codon 869 of the FANCA protein (p.Gln869His). The glutamine residue is highly conserved and there is a small physicochemical difference between glutamine and histidine.

Literature cited by the submitters: PubMed 15643609 (cited by Labcorp Genetics (formerly Invitae), Labcorp); PubMed 21520333 (cited by Labcorp Genetics (formerly Invitae), Labcorp); PubMed 16720839 (cited by Labcorp Genetics (formerly Invitae), Labcorp).